The following is an entry in ClinVar:

NM_001129.5(AEBP1):c.1060G>A (p.Asp354Asn)

Gene: AEBP1 (AE binding protein 1; plus strand). Cytogenetic location: 7p13.
Variant type: single nucleotide variant.
Coding change: c.1060G>A on transcript NM_001129.5 (MANE Select); coding-DNA position 1060, G replaced by A.
Protein change: p.Asp354Asn; replaces aspartic acid 354 with asparagine.
Molecular consequence: missense variant.
Genome position (GRCh38, 1-based): chr7:44,109,148, G>A. VCF-style: chr7-44109148-G-A. GRCh37 (hg19) VCF-style: chr7-44148747-G-A.
Other names: short protein forms D354N.
Identifiers: ClinVar variation 1896794 (VCV001896794.27), dbSNP rs759258426, ClinGen allele CA4237732.

ClinVar aggregate classification (germline): Uncertain significance. Review status: criteria provided, multiple submitters, no conflicts (2 of 4 stars). 2 submissions from 2 submitters: Uncertain significance (2). Last evaluated 2024-01-01.

Allele frequency attached by ClinVar (database versions not stated): ExAC 0.00001; TOPMed 0.00003; gnomAD 0.00004.

Submissions (2):

CeGaT Center for Human Genetics Tuebingen
Classification: Uncertain significance. Last evaluated: 2024-01-01. Review status: criteria provided, single submitter. Criteria: CeGaT Center For Human Genetics Tuebingen Variant Classification Criteria Version 2. Collection method: clinical testing. Allele origin: germline. Affected: yes. Observed: 1 variant allele.
Comment: AEBP1: PM2, BP4

Labcorp Genetics (formerly Invitae), Labcorp
Classification: Uncertain significance. Last evaluated: 2023-09-27. Review status: criteria provided, single submitter. Criteria: Invitae Variant Classification Sherloc (09022015). Collection method: clinical testing. Allele origin: germline.
Comment: This sequence change replaces aspartic acid, which is acidic and polar, with asparagine, which is neutral and polar, at codon 354 of the AEBP1 protein (p.Asp354Asn). The frequency data for this variant in the population databases is considered unreliable, as metrics indicate poor data quality at this position in the gnomAD database. This variant has not been reported in the literature in individuals affected with AEBP1-related conditions. ClinVar contains an entry for this variant (Variation ID: 1896794). An algorithm developed to predict the effect of missense changes on protein structure and function (PolyPhen-2) suggests that this variant is likely to be tolerated. In summary, the available evidence is currently insufficient to determine the role of this variant in disease. Therefore, it has been classified as a Variant of Uncertain Significance.